The following is an entry in ClinVar:

NM_016034.5(MRPS2):c.14C>T (p.Ser5Leu)

Gene: MRPS2 (mitochondrial ribosomal protein S2; plus strand). Cytogenetic location: 9q34.3.
Variant type: single nucleotide variant.
Coding change: c.14C>T on transcript NM_016034.5 (MANE Select); coding-DNA position 14, C replaced by T.
Protein change: p.Ser5Leu; replaces serine 5 with leucine.
Molecular consequence: missense variant. On other transcripts: non-coding transcript variant (4).
Genome position (GRCh38, 1-based): chr9:135,500,724, C>T. VCF-style: chr9-135500724-C-T. GRCh37 (hg19) VCF-style: chr9-138392570-C-T.
Other names: c.14C>T, p.Ser5Leu (NM_001371401.1); short protein forms S5L.
Identifiers: ClinVar variation 1184427 (VCV001184427.9), dbSNP rs770946612, ClinGen allele CA5323735.

ClinVar aggregate classification (germline): Uncertain significance. Review status: criteria provided, multiple submitters, no conflicts (2 of 4 stars). 2 submissions from 2 submitters: Uncertain significance (2). Last evaluated 2024-04-01.

Conditions:
Combined oxidative phosphorylation deficiency 36 (COXPD36). Identifiers: MedGen C4693722, MONDO:0054781, OMIM 617950.

Allele frequency attached by ClinVar (database versions not stated): gnomAD 0.00007 and 0.00008; TOPMed 0.00020; ExAC 0.00036.

Submissions (2):

Labcorp Genetics (formerly Invitae), Labcorp
Classification: Uncertain significance. Last evaluated: 2024-04-01. Review status: criteria provided, single submitter. Criteria: Invitae Variant Classification Sherloc (09022015). Collection method: clinical testing. Allele origin: germline.
Comment: This sequence change replaces serine, which is neutral and polar, with leucine, which is neutral and non-polar, at codon 5 of the MRPS2 protein (p.Ser5Leu). This variant is present in population databases (rs770946612, gnomAD 0.006%). This variant has not been reported in the literature in individuals affected with MRPS2-related conditions. ClinVar contains an entry for this variant (Variation ID: 1184427). Algorithms developed to predict the effect of missense changes on protein structure and function output the following: SIFT: "Not Available"; PolyPhen-2: "Benign"; Align-GVGD: "Not Available". The leucine amino acid residue is found in multiple mammalian species, which suggests that this missense change does not adversely affect protein function. In summary, the available evidence is currently insufficient to determine the role of this variant in disease. Therefore, it has been classified as a Variant of Uncertain Significance.

New York Genome Center
Classification: Uncertain significance for Combined oxidative phosphorylation deficiency 36. Last evaluated: 2020-06-30. Review status: criteria provided, single submitter. Criteria: NYGC Assertion Criteria 2020. Collection method: clinical testing. Allele origin: inherited. Observed: 1 compound heterozygote. Study: CSER-NYCKidSeq.